The following is an entry in ClinVar:

NM_000132.4(F8):c.4767_4768insATAACCAA (p.Tyr1590fs)

Gene: F8 (coagulation factor VIII; minus strand). Cytogenetic location: Xq28.
Variant type: Insertion.
Coding change: c.4767_4768insATAACCAA on transcript NM_000132.4 (MANE Select); coding-DNA positions 4767 to 4768, ATAACCAA inserted.
Protein change: p.Tyr1590fs; shifts the reading frame from tyrosine 1590.
Molecular consequence: frameshift variant.
Genome position: GRCh38 VCF-style: chrX-154929022-A-ATTGGTTAT. GRCh37 (hg19) VCF-style: chrX-154157297-A-ATTGGTTAT.
Other names: short protein forms Y1590fs.
Identifiers: ClinVar variation 266111 (VCV000266111.3), dbSNP rs886039906, ClinGen allele CA10588993.

ClinVar aggregate classification (germline): Likely pathogenic (0 of 4 stars; one submission).

Conditions:
Hereditary factor VIII deficiency disease (HEMA). Also called: HEMOPHILIA, CLASSIC; Hemophilia A; AUTOSOMAL HEMOPHILIA A; Hemophilia A, congenital; HEM A; Factor 8 deficiency, congenital. Identifiers: Orphanet 98878, MedGen C0019069, MONDO:0010602, OMIM 306700.

Submission:

Diagnostics Division, CENTRE FOR DNA FINGERPRINTING AND DIAGNOSTICS
Classification: Likely pathogenic for Hereditary factor VIII deficiency disease. Last evaluated: 2015-01-01. Review status: no assertion criteria provided. Collection method: clinical testing. Allele origin: unknown. Affected: yes. Observed: 1 hemizygote.
Comment: Indel variant